The following is an entry in ClinVar:

NM_001365951.3(KIF1B):c.3503A>G (p.His1168Arg)

Gene: KIF1B (kinesin family member 1B; plus strand). Cytogenetic location: 1p36.22.
Variant type: single nucleotide variant.
Coding change: c.3503A>G on transcript NM_001365951.3 (MANE Select); coding-DNA position 3503, A replaced by G.
Protein change: p.His1168Arg; replaces histidine 1168 with arginine.
Molecular consequence: missense variant.
Genome position (GRCh38, 1-based): chr1:10,339,849, A>G. VCF-style: chr1-10339849-A-G. GRCh37 (hg19) VCF-style: chr1-10399907-A-G.
Other names: c.3503A>G, p.His1168Arg (NM_001365952.1); c.3365A>G, p.His1122Arg (NM_015074.3); short protein forms H1122R, H1168R.
Identifiers: ClinVar variation 3534094 (VCV003534094.1).

ClinVar aggregate classification (germline): Uncertain significance (1 of 4 stars; one submission).

gnomAD v4.1: 2 of 1,613,744 alleles (0.00012%); highest among the groups gnomAD compares: Non-Finnish European, 0.00017%; no homozygotes.

Submission:

Ambry Genetics
Classification: Uncertain significance. Last evaluated: 2024-11-28. Review status: criteria provided, single submitter. Criteria: Ambry Variant Classification Scheme 2023. Collection method: clinical testing. Allele origin: germline.
Comment: The p.H1122R variant (also known as c.3365A>G), located in coding exon 29 of the KIF1B gene, results from an A to G substitution at nucleotide position 3365. The histidine at codon 1122 is replaced by arginine, an amino acid with highly similar properties. This amino acid position is conserved. In addition, this alteration is predicted to be deleterious by in silico analysis. Based on the available evidence, the clinical significance of this variant remains unclear.